The following is an entry in ClinVar:

NM_005732.4(RAD50):c.1851_1854del (p.Glu619fs)

Gene: RAD50 (RAD50 double strand break repair protein; plus strand). Cytogenetic location: 5q31.1.
Variant type: Microsatellite.
Coding change: c.1851_1854del on transcript NM_005732.4 (MANE Select); coding-DNA positions 1851 to 1854, 4 bases deleted (AAAG; older notation c.1851_1854delAAAG).
Protein change: p.Glu619fs; shifts the reading frame from glutamic acid 619.
Molecular consequence: frameshift variant.
Genome position (GRCh38, 1-based): chr5:132,594,926-132,594,929, AAAG deleted; deleting any 4 consecutive bases within chr5:132,594,922-132,594,929 gives the same sequence; the c. name uses the placement nearest the transcript's 3' end. VCF-style (leftmost placement, unchanged base first): chr5-132594921-AAAAG-A. GRCh37 (hg19) VCF-style: chr5-131930613-AAAAG-A.
Other names: short protein forms E619fs.
Identifiers: ClinVar variation 482117 (VCV000482117.5), dbSNP rs1554098588, ClinGen allele CA658657514.
Genomic context (GRCh38, chr5:132,594,921, plus strand): 5'-TATTTTAGCAAGGAACTAGCTTCATCTGAGCAGAATAAAAATCATATAAATAATGAACTA[AAAAG>A]AAAGGAAGAGCAGTTGTCCAGTTACGAAGACAAGCTGTTTGATGTTTGTGGTAGCCAGGA-3'

ClinVar aggregate classification (germline): Pathogenic (1 of 4 stars; one submission).

Conditions:
Hereditary cancer-predisposing syndrome. Also called: Neoplastic Syndromes, Hereditary; Tumor predisposition; Hereditary Cancer Syndrome; Hereditary neoplastic syndrome. Identifiers: Orphanet 140162, MedGen C0027672, MeSH D009386, MONDO:0015356.

Submission:

Ambry Genetics
Classification: Pathogenic for Hereditary cancer-predisposing syndrome. Last evaluated: 2016-08-18. Review status: criteria provided, single submitter. Criteria: Ambry Variant Classification Scheme 2023. Collection method: clinical testing. Allele origin: germline.
Comment: The c.1851_1854delAAAG pathogenic mutation, located in coding exon 12 of the RAD50 gene, results from a deletion of 4 nucleotides at positions 1851 to 1854, causing a translational frameshift with a predicted alternate stop codon. This alteration is expected to result in loss of function by premature protein truncation or nonsense-mediated mRNA decay. As such, this alteration is interpreted as a disease-causing mutation.